The following is an entry in ClinVar:

ClinVar aggregate classification (germline): Conflicting classifications of pathogenicity. Review status: criteria provided, conflicting classifications (1 of 4 stars). 4 submissions from 4 submitters: Uncertain significance (3); Likely benign (1). Last evaluated 2025-09-28.

Conditions:
BRCA1-related cancer predisposition. Identifiers: MedGen CN377757, MONDO:0700268.
Hereditary cancer-predisposing syndrome. Also called: Hereditary neoplastic syndrome; Tumor predisposition; Hereditary Cancer Syndrome; Neoplastic Syndromes, Hereditary. Identifiers: Orphanet 140162, MedGen C0027672, MeSH D009386, MONDO:0015356.
Hereditary breast ovarian cancer syndrome. Also called: BRCA1- and BRCA2-Associated Hereditary Breast and Ovarian Cancer; Hereditary breast and ovarian cancer syndrome (HBOC); Hereditary breast and/or ovarian cancer syndrome; Hereditary breast and ovarian cancer syndrome; Hereditary breast and ovarian cancer; Breast and ovarian cancer. Identifiers: Orphanet 145, MedGen C0677776, MeSH D061325, MONDO:0003582. Disease mechanism: loss of function.

Submissions (4):

Ambry Genetics
Classification: Uncertain significance for Hereditary cancer-predisposing syndrome. Last evaluated: 2025-09-28. Review status: criteria provided, single submitter. Criteria: Ambry Variant Classification Scheme 2023. Collection method: clinical testing. Allele origin: germline.
Comment: The p.N1311D variant (also known as c.3931A>G), located in coding exon 9 of the BRCA1 gene, results from an A to G substitution at nucleotide position 3931. The asparagine at codon 1311 is replaced by aspartic acid, an amino acid with highly similar properties. This amino acid position is not well conserved in available vertebrate species. In addition, the in silico prediction for this alteration is inconclusive. Since supporting evidence is limited at this time, the clinical significance of this alteration remains unclear.

Labcorp Genetics (formerly Invitae), Labcorp
Classification: Uncertain significance for Hereditary breast ovarian cancer syndrome. Last evaluated: 2025-05-05. Review status: criteria provided, single submitter. Criteria: Invitae Variant Classification Sherloc (09022015). Collection method: clinical testing. Allele origin: germline.
Comment: This sequence change replaces asparagine, which is neutral and polar, with aspartic acid, which is acidic and polar, at codon 1311 of the BRCA1 protein (p.Asn1311Asp). This variant is not present in population databases (gnomAD no frequency). This variant has not been reported in the literature in individuals affected with BRCA1-related conditions. ClinVar contains an entry for this variant (Variation ID: 219751). Invitae Evidence Modeling of protein sequence and biophysical properties (such as structural, functional, and spatial information, amino acid conservation, physicochemical variation, residue mobility, and thermodynamic stability) indicates that this missense variant is not expected to disrupt BRCA1 protein function with a negative predictive value of 80%. In summary, the available evidence is currently insufficient to determine the role of this variant in disease. Therefore, it has been classified as a Variant of Uncertain Significance.

All of Us Research Program, National Institutes of Health
Classification: Uncertain significance for BRCA1-related cancer predisposition. Last evaluated: 2024-05-09. Review status: criteria provided, single submitter. Criteria: ACMG Guidelines, 2015. Collection method: clinical testing. Allele origin: germline. Inheritance: Autosomal dominant inheritance. Observed: 1 variant allele, 1 heterozygote.
Comment: This study involves interpretation of variants in research participants for the purpose of population health screening. Participant phenotype was not available at the time of variant classification. Additional details can be found in publication PMID: 35346344, PMCID: PMC8962531

University of Washington Department of Laboratory Medicine, University of Washington
Classification: Likely benign for Hereditary cancer-predisposing syndrome. Last evaluated: 2023-03-23. Review status: criteria provided, single submitter. Criteria: Dines et al. (Genet Med. 2020). Collection method: curation. Allele origin: germline.
Comment: Missense variant in a coldspot region where missense variants are very unlikely to be pathogenic (PMID:31911673).

BRCA1 coldspot (exon 11 using historical exon numbering). Reclassification based on statistical prior probability

NM_007294.4(BRCA1):c.3931A>G (p.Asn1311Asp)

Genes: BRCA1 (BRCA1 DNA repair associated; minus strand), LOC126862571 (BRD4-independent group 4 enhancer GRCh37_chr17:41243136-41244335; plus strand). Cytogenetic location: 17q21.31.
Variant type: single nucleotide variant.
Coding change: c.3931A>G on transcript NM_007294.4 (MANE Select); coding-DNA position 3931, A replaced by G.
Protein change: p.Asn1311Asp; replaces asparagine 1311 with aspartic acid.
Molecular consequence: missense variant. On other transcripts: intron variant (135).
Genome position (GRCh38, 1-based): chr17:43,091,600, T>C on the plus strand (A>G on the coding strand, the complement: BRCA1 is on the minus strand). VCF-style: chr17-43091600-T-C. GRCh37 (hg19) VCF-style: chr17-41243617-T-C.
Other names: c.3787A>G, p.Asn1263Asp (NM_001407744.1, NM_001407838.1, NM_001407747.1 and 20 more transcripts); c.647-568A>G (NM_001408460.1, NM_001408454.1, NM_001408458.1 and 11 more transcripts); c.3790A>G, p.Asn1264Asp (NM_001407750.1, NM_001407751.1, NM_001407752.1 and 29 more transcripts); c.707-568A>G (NM_001408413.1, NM_001408416.1); c.587-568A>G (NM_001408474.1, NM_001408476.1); c.710-568A>G (NM_001408409.1, NM_001408412.1, NM_001408414.1 and 2 more transcripts); c.575-568A>G (NM_001408493.1, NM_001408490.1, NM_001408491.1); c.455-568A>G (NM_001408502.1); and 41 more; short protein forms N1311D, N1264D, N1143D, N1183D, N1222D, N1223D, N1263D, N1308D.
Identifiers: ClinVar variation 219751 (VCV000219751.17), dbSNP rs864622233, ClinGen allele CA348350.